The following is an entry in ClinVar:

ClinVar aggregate classification (germline): Uncertain significance (1 of 4 stars; one submission).

Conditions:
Atrial fibrillation, familial, 7 (ATFB7). Identifiers: MedGen C2677106, MONDO:0012828, OMIM 612240.

Allele frequency attached by ClinVar (database versions not stated): TOPMed 0.00001.
gnomAD v4.1: 45 of 1,613,618 alleles (0.0028%); highest among the groups gnomAD compares: South Asian, 0.011%; no homozygotes.

Submission:

Labcorp Genetics (formerly Invitae), Labcorp
Classification: Uncertain significance for Atrial fibrillation, familial, 7. Last evaluated: 2025-09-02. Review status: criteria provided, single submitter. Criteria: Invitae Variant Classification Sherloc (09022015). Collection method: clinical testing. Allele origin: germline.
Comment: This sequence change replaces aspartic acid, which is acidic and polar, with asparagine, which is neutral and polar, at codon 322 of the KCNA5 protein (p.Asp322Asn). This variant is present in population databases (rs139614200, gnomAD 0.006%). This variant has not been reported in the literature in individuals affected with KCNA5-related conditions. ClinVar contains an entry for this variant (Variation ID: 836547). Invitae Evidence Modeling of protein sequence and biophysical properties (such as structural, functional, and spatial information, amino acid conservation, physicochemical variation, residue mobility, and thermodynamic stability) indicates that this missense variant is not expected to disrupt KCNA5 protein function with a negative predictive value of 80%. In summary, the available evidence is currently insufficient to determine the role of this variant in disease. Therefore, it has been classified as a Variant of Uncertain Significance.

NM_002234.4(KCNA5):c.964G>A (p.Asp322Asn)

Gene: KCNA5 (potassium voltage-gated channel subfamily A member 5; plus strand). Cytogenetic location: 12p13.32.
Variant type: single nucleotide variant.
Coding change: c.964G>A on transcript NM_002234.4 (MANE Select); coding-DNA position 964, G replaced by A.
Protein change: p.Asp322Asn; replaces aspartic acid 322 with asparagine.
Molecular consequence: missense variant.
Genome position (GRCh38, 1-based): chr12:5,045,111, G>A. VCF-style: chr12-5045111-G-A. GRCh37 (hg19) VCF-style: chr12-5154277-G-A.
Other names: short protein forms D322N.
Identifiers: ClinVar variation 836547 (VCV000836547.4), dbSNP rs139614200, ClinGen allele CA6399773.
Genomic context (GRCh38, chr12:5,045,111, plus strand): 5'-GGGGTCATGGCCCCGCCCTCTGGCCCTACGGTGGCACCGCTCCTGCCCAGGACCCTGGCC[G>A]ACCCCTTCTTCATCGTGGAGACCACGTGCGTCATCTGGTTCACCTTCGAGCTGCTCGTGC-3'
Protein context (NP_002225.2, residues 312-332): VAPLLPRTLA[Asp322Asn]PFFIVETTCV